The following is an entry in ClinVar:

NM_000400.4(ERCC2):c.1430C>A (p.Thr477Asn)

Gene: ERCC2 (ERCC excision repair 2, TFIIH core complex helicase subunit; minus strand). Cytogenetic location: 19q13.32.
Variant type: single nucleotide variant.
Coding change: c.1430C>A on transcript NM_000400.4 (MANE Select); coding-DNA position 1430, C replaced by A.
Protein change: p.Thr477Asn; replaces threonine 477 with asparagine.
Molecular consequence: missense variant.
Genome position (GRCh38, 1-based): chr19:45,357,319, G>T on the plus strand (C>A on the coding strand, the complement: ERCC2 is on the minus strand). VCF-style: chr19-45357319-G-T. GRCh37 (hg19) VCF-style: chr19-45860577-G-T.
Other names: short protein forms T477N.
Identifiers: ClinVar variation 2561087 (VCV002561087.2), dbSNP rs2514012396, ClinGen allele CA406367104.

ClinVar aggregate classification (germline): Uncertain significance (1 of 4 stars; one submission).

Conditions:
Inborn genetic diseases. Identifiers: MedGen C0950123, MeSH D030342.

Submission:

Ambry Genetics
Classification: Uncertain significance for Inborn genetic diseases. Last evaluated: 2023-04-08. Review status: criteria provided, single submitter. Criteria: Ambry Variant Classification Scheme 2023. Collection method: clinical testing. Allele origin: germline.
Comment: The p.T477N variant (also known as c.1430C>A), located in coding exon 15 of the ERCC2 gene, results from a C to A substitution at nucleotide position 1430. The threonine at codon 477 is replaced by asparagine, an amino acid with similar properties. This amino acid position is conserved. In addition, the in silico prediction for this alteration is inconclusive. Since supporting evidence is limited at this time, the clinical significance of this alteration remains unclear.